The following is an entry in ClinVar:

NM_001267550.2(TTN):c.45120T>C (p.Ile15040=)

Genes: TTN (titin; minus strand), LOC126806427 (BRD4-independent group 4 enhancer GRCh37_chr2:179485777-179486976; plus strand). Cytogenetic location: 2q31.2.
Variant type: single nucleotide variant.
Coding change: c.45120T>C on transcript NM_001267550.2 (MANE Select); coding-DNA position 45120, T replaced by C.
Protein change: p.Ile15040=; no amino-acid change (isoleucine 15040 retained).
Molecular consequence: synonymous variant.
Genome position (GRCh38, 1-based): chr2:178,621,704, A>G on the plus strand (T>C on the coding strand, the complement: TTN is on the minus strand). VCF-style: chr2-178621704-A-G. GRCh37 (hg19) VCF-style: chr2-179486431-A-G.
Other names: c.37416T>C, p.Ile12472= (NM_133378.4); c.40197T>C, p.Ile13399= (NM_001256850.1); c.17925T>C, p.Ile5975= (NM_003319.4); c.18300T>C, p.Ile6100= (NM_133432.3); c.18501T>C, p.Ile6167= (NM_133437.4).
Identifiers: ClinVar variation 228095 (VCV000228095.16), dbSNP rs74580375, ClinGen allele CA1995491.

ClinVar aggregate classification (germline): Likely benign. Review status: criteria provided, multiple submitters, no conflicts (2 of 4 stars). 3 submissions from 3 submitters: Likely benign (3). Last evaluated 2025-09-27.

Conditions:
Cardiovascular phenotype. Identifiers: MedGen CN230736.
Autosomal recessive limb-girdle muscular dystrophy type 2J (LGMDR10). Also called: Limb-girdle muscular dystrophy, type 2J; MUSCULAR DYSTROPHY, LIMB-GIRDLE, AUTOSOMAL RECESSIVE 10. Identifiers: Orphanet 140922, MedGen C1837342, MONDO:0012127, OMIM 608807.
Dilated cardiomyopathy 1G (CMD1G). Identifiers: Orphanet 154, MedGen C1858763, MONDO:0011400, OMIM 604145.

Allele frequency attached by ClinVar (database versions not stated): TOPMed 0.00002; 1000 Genomes Project 30x 0.00016.
gnomAD v4.1: 8 of 1,611,844 alleles (0.0005%); highest among the groups gnomAD compares: African/African-American, 0.008%; 1 homozygote.

Submissions (3):

Labcorp Genetics (formerly Invitae), Labcorp
Classification: Likely benign for Dilated cardiomyopathy 1G; Autosomal recessive limb-girdle muscular dystrophy type 2J. Last evaluated: 2025-09-27. Review status: criteria provided, single submitter. Criteria: Invitae Variant Classification Sherloc (09022015). Collection method: clinical testing. Allele origin: germline.

Ambry Genetics
Classification: Likely benign for Cardiovascular phenotype. Last evaluated: 2019-08-08. Review status: criteria provided, single submitter. Criteria: Ambry Variant Classification Scheme 2023. Collection method: clinical testing. Allele origin: germline.

Laboratory for Molecular Medicine, Mass General Brigham Personalized Medicine
Classification: Likely benign. Last evaluated: 2015-04-01. Review status: criteria provided, single submitter. Criteria: LMM Criteria. Collection method: clinical testing. Allele origin: germline. Observed: 1 variant allele.
Comment: p.Ile12472Ile in exon 194 of TTN: This variant is not expected to have clinical significance because it does not alter an amino acid residue and is not located within the splice consensus sequence. It has been identified in 2/9614 African c hromosomes by the Exome Aggregation Consortium (ExAC .org; dbSNP rs74580375).